The following is an entry in ClinVar:

NM_002875.5(RAD51):c.254G>A (p.Gly85Asp)

Gene: RAD51 (RAD51 recombinase; plus strand). Cytogenetic location: 15q15.1.
Variant type: single nucleotide variant.
Coding change: c.254G>A on transcript NM_002875.5 (MANE Select); coding-DNA position 254, G replaced by A.
Protein change: p.Gly85Asp; replaces glycine 85 with aspartic acid.
Molecular consequence: missense variant. On other transcripts: intron variant (2).
Genome position (GRCh38, 1-based): chr15:40,706,205, G>A. VCF-style: chr15-40706205-G-A. GRCh37 (hg19) VCF-style: chr15-40998403-G-A.
Other names: c.254G>A, p.Gly85Asp (NM_001164270.2); c.347-2820G>A (NM_133487.4, NM_001164269.2); short protein forms G85D.
Identifiers: ClinVar variation 3222845 (VCV003222845.1), dbSNP rs777561646, ClinGen allele CA7483965.

ClinVar aggregate classification (germline): Uncertain significance (1 of 4 stars; one submission).

Conditions:
Inborn genetic diseases. Identifiers: MedGen C0950123, MeSH D030342.

Allele frequency attached by ClinVar (database versions not stated): ExAC 0.00001; gnomAD exomes 0.00001.
gnomAD v4.1: 7 of 1,613,916 alleles (0.00043%); highest among the groups gnomAD compares: Non-Finnish European, 0.00059%; no homozygotes.

Submission:

Ambry Genetics
Classification: Uncertain significance for Inborn genetic diseases. Last evaluated: 2023-11-03. Review status: criteria provided, single submitter. Criteria: Ambry Variant Classification Scheme 2023. Collection method: clinical testing. Allele origin: germline.
Comment: The p.G85D variant (also known as c.254G>A), located in coding exon 3 of the RAD51 gene, results from a G to A substitution at nucleotide position 254. The glycine at codon 85 is replaced by aspartic acid, an amino acid with similar properties. This amino acid position is conserved. In addition, this alteration is predicted to be deleterious by in silico analysis. Since supporting evidence is limited at this time, the clinical significance of this alteration remains unclear.